The following is an entry in ClinVar:

ClinVar aggregate classification (germline): Likely benign. Review status: criteria provided, multiple submitters, no conflicts (2 of 4 stars). 4 submissions from 4 submitters: Likely benign (3). 1 of the submissions does not count toward it. Last evaluated 2026-08-01.

Conditions:
Immunodeficiency 104. Also called: IMMUNODEFICIENCY 104, SEVERE COMBINED; Severe combined immunodeficiency, autosomal recessive, T cell-negative, B cell-positive, NK cell-positive; SCID, AUTOSOMAL RECESSIVE, T CELL-NEGATIVE, B CELL-POSITIVE, NK CELL-POSITIVE; Severe Combined Immune Deficiency, Autosomal Recessive, TCell -Negative, B Cell-Positive, NK Cell-Positive, IL7R-Related. Identifiers: MedGen C5676890, MONDO:0012163, OMIM 608971.
PTPRC-related disorder. Also called: PTPRC-related condition.

Allele frequency attached by ClinVar (database versions not stated): TOPMed 0.00028; gnomAD 0.00048 and 0.00051; ESP Exome Variant Server 0.00062; gnomAD exomes 0.00065 and 0.00080; ExAC 0.00113.
gnomAD v4.1: 1,014 of 1,612,604 alleles (0.063%); highest among the groups gnomAD compares: Non-Finnish European, 0.072%; 1 homozygote.

Submissions (4):

CeGaT Center for Human Genetics Tuebingen
Classification: Likely benign. Last evaluated: 2026-08-01. Review status: criteria provided, single submitter. Criteria: CeGaT Center For Human Genetics Tuebingen Variant Classification Criteria Version 2. Collection method: clinical testing. Allele origin: germline. Affected: yes. Observed: 2 variant alleles.
Comment: PTPRC: BP4, BP7

Labcorp Genetics (formerly Invitae), Labcorp
Classification: Likely benign for Immunodeficiency 104. Last evaluated: 2026-01-25. Review status: criteria provided, single submitter. Criteria: Invitae Variant Classification Sherloc (09022015). Collection method: clinical testing. Allele origin: germline.

Blueprint Genetics
Classification: Likely benign. Last evaluated: 2024-11-08. Review status: criteria provided, single submitter. Criteria: ACMG Guidelines, 2015. Collection method: clinical testing. Allele origin: germline.

PreventionGenetics, part of Exact Sciences
Classification: Likely benign for PTPRC-related condition. Last evaluated: 2024-01-15. Review status: no assertion criteria provided. Collection method: clinical testing. Allele origin: germline. Not counted in ClinVar's aggregate classification.
Comment: This variant is classified as likely benign based on ACMG/AMP sequence variant interpretation guidelines (Richards et al. 2015 PMID: 25741868, with internal and published modifications).

NM_002838.5(PTPRC):c.3687C>T (p.Tyr1229=)

Gene: PTPRC (protein tyrosine phosphatase receptor type C; plus strand). Cytogenetic location: 1q32.1.
Variant type: single nucleotide variant.
Coding change: c.3687C>T on transcript NM_002838.5 (MANE Select); coding-DNA position 3687, C replaced by T.
Protein change: p.Tyr1229=; no amino-acid change (tyrosine 1229 retained).
Molecular consequence: synonymous variant.
Genome position (GRCh38, 1-based): chr1:198,755,947, C>T. VCF-style: chr1-198755947-C-T. GRCh37 (hg19) VCF-style: chr1-198725076-C-T.
Other names: c.3687C>T (NM_002838.4); c.3204C>T, p.Tyr1068= (NM_080921.4).
Identifiers: ClinVar variation 1128452 (VCV001128452.35), dbSNP rs145983642, ClinGen allele CA1315539.